The following is an entry in ClinVar:

NM_032444.4(SLX4):c.1301C>T (p.Pro434Leu)

Gene: SLX4 (SLX4 structure-specific endonuclease subunit; minus strand). Cytogenetic location: 16p13.3.
Variant type: single nucleotide variant.
Coding change: c.1301C>T on transcript NM_032444.4 (MANE Select); coding-DNA position 1301, C replaced by T.
Protein change: p.Pro434Leu; replaces proline 434 with leucine.
Molecular consequence: missense variant.
Genome position (GRCh38, 1-based): chr16:3,597,862, G>A on the plus strand (C>T on the coding strand, the complement: SLX4 is on the minus strand). VCF-style: chr16-3597862-G-A. GRCh37 (hg19) VCF-style: chr16-3647863-G-A.
Other names: c.1301C>T (LRG_503t1); short protein forms P434L.
Identifiers: ClinVar variation 572570 (VCV000572570.10), dbSNP rs763337738, ClinGen allele CA7866562.

ClinVar aggregate classification (germline): Uncertain significance. Review status: criteria provided, multiple submitters, no conflicts (2 of 4 stars). 2 submissions from 2 submitters: Uncertain significance (2). Last evaluated 2025-12-08.

Conditions:
Fanconi anemia (FA). Also called: Fanconi's anemia. Identifiers: Orphanet 84, MedGen C0015625, MeSH D005199, MONDO:0019391.
Fanconi anemia complementation group P. Also called: SLX4-Related Fanconi Anemia. Identifiers: Orphanet 84, MedGen C3469542, MONDO:0013499, OMIM 613951.

Allele frequency attached by ClinVar (database versions not stated): ExAC 0.00001; gnomAD 0.00001; gnomAD exomes 0.00001; TOPMed 0.00002.
gnomAD v4.1: 24 of 1,613,988 alleles (0.0015%); highest among the groups gnomAD compares: Admixed American, 0.0067%; no homozygotes.

Submissions (2):

Labcorp Genetics (formerly Invitae), Labcorp
Classification: Uncertain significance for Fanconi anemia. Last evaluated: 2025-12-08. Review status: criteria provided, single submitter. Criteria: Invitae Variant Classification Sherloc (09022015). Collection method: clinical testing. Allele origin: germline.
Comment: This sequence change replaces proline, which is neutral and non-polar, with leucine, which is neutral and non-polar, at codon 434 of the SLX4 protein (p.Pro434Leu). This variant is present in population databases (rs763337738, gnomAD 0.009%). This variant has not been reported in the literature in individuals affected with SLX4-related conditions. ClinVar contains an entry for this variant (Variation ID: 572570). An algorithm developed to predict the effect of missense changes on protein structure and function (PolyPhen-2) suggests that this variant is likely to be tolerated. In summary, the available evidence is currently insufficient to determine the role of this variant in disease. Therefore, it has been classified as a Variant of Uncertain Significance.

Fulgent Genetics
Classification: Uncertain significance for Fanconi anemia complementation group P. Last evaluated: 2024-03-07. Review status: criteria provided, single submitter. Criteria: ACMG Guidelines, 2015. Collection method: clinical testing. Allele origin: germline.